The following is an entry in ClinVar:

ClinVar aggregate classification (germline): Uncertain significance. Review status: criteria provided, multiple submitters, no conflicts (2 of 4 stars). 4 submissions from 2 submitters: Uncertain significance (4). Last evaluated 2022-11-16.

Conditions:
Hereditary spastic paraplegia 30. Identifiers: Orphanet 101010, MedGen C5235139, MONDO:0012476.
Neuropathy, hereditary sensory, type 2C. Also called: Hereditary sensory and autonomic neuropathy type IIC; KIF1A-Related HSAN2 (HSAN2C). Identifiers: Orphanet 970, MedGen C3280168, MONDO:0013634, OMIM 614213.
Intellectual disability, autosomal dominant 9 (NESCAVS). Also called: NESCAV SYNDROME; KIF1A-Related Neurodevelopmental Disorder. Identifiers: Orphanet 662367, MedGen C5393830, MONDO:0013656, OMIM 614255.

Submissions (4):

Baylor Genetics
Classification: Uncertain significance for Intellectual disability, autosomal dominant 9. Last evaluated: 2022-11-16. Review status: criteria provided, single submitter. Criteria: ACMG Guidelines, 2015. Collection method: clinical testing. Allele origin: unknown.

Baylor Genetics
Classification: Uncertain significance for Neuropathy, hereditary sensory, type 2C. Last evaluated: 2022-11-16. Review status: criteria provided, single submitter. Criteria: ACMG Guidelines, 2015. Collection method: clinical testing. Allele origin: unknown.

Baylor Genetics
Classification: Uncertain significance for Spastic paraplegia 30A, autosomal dominant. Last evaluated: 2022-11-16. Review status: criteria provided, single submitter. Criteria: ACMG Guidelines, 2015. Collection method: clinical testing. Allele origin: unknown.

Labcorp Genetics (formerly Invitae), Labcorp
Classification: Uncertain significance for Hereditary spastic paraplegia 30; Neuropathy, hereditary sensory, type 2C; Intellectual disability, autosomal dominant 9. Last evaluated: 2022-09-26. Review status: criteria provided, single submitter. Criteria: Invitae Variant Classification Sherloc (09022015). Collection method: clinical testing. Allele origin: germline.
Comment: In summary, the available evidence is currently insufficient to determine the role of this variant in disease. Therefore, it has been classified as a Variant of Uncertain Significance. Variants that disrupt the consensus splice site are a relatively common cause of aberrant splicing (PMID: 17576681, 9536098). Algorithms developed to predict the effect of sequence changes on RNA splicing suggest that this variant may disrupt the consensus splice site. This variant has not been reported in the literature in individuals affected with KIF1A-related conditions. This variant is not present in population databases (gnomAD no frequency). This sequence change falls in intron 23 of the KIF1A gene. It does not directly change the encoded amino acid sequence of the KIF1A protein. It affects a nucleotide within the consensus splice site.

Literature cited by the submitters: PubMed 17576681 (cited by Labcorp Genetics (formerly Invitae), Labcorp); PubMed 9536098 (cited by Labcorp Genetics (formerly Invitae), Labcorp).

NM_001244008.2(KIF1A):c.2445-3del

Gene: KIF1A (kinesin family member 1A; minus strand). Cytogenetic location: 2q37.3.
Variant type: Deletion.
Coding change: c.2445-3del on transcript NM_001244008.2 (MANE Select); 3 bases into the intron before coding-DNA position 2445, one base deleted (C; older notation c.2445-3delC).
Molecular consequence: intron variant.
Genome position (GRCh38, 1-based): chr2:240,758,500, G deleted on the plus strand (C on the coding strand, the reverse complement: KIF1A is on the minus strand). VCF-style (leftmost placement, unchanged base first): chr2-240758499-TG-T. GRCh37 (hg19) VCF-style: chr2-241697916-TG-T.
Other names: c.2418-3del (NM_001379653.1, NM_001379650.1, NM_001379645.1 and 11 more transcripts); c.2520-3del (NM_001379635.1, NM_001330290.2, NM_001379646.1 and 2 more transcripts); c.2493-3del (NM_001379637.1, NM_001379648.1); c.2445-3del (NM_001320705.2, NM_001379638.1, NM_001330289.2).
Identifiers: ClinVar variation 2032666 (VCV002032666.5), dbSNP rs2537539301, ClinGen allele CA2580068103.
Genomic context (GRCh38, chr2:240,758,499, plus strand): 5'-CACTGGAGGGCACCTCTGCAGCGCGGTCGTACATCTCCCGCATCAGGTCCAGACGCTGCC[TG>T]CAGGGACGGCAGGGGTCAATGTGGACCCAGGCCCAGCGCTCAGCAGCTGGCACCGCACAC-3'